The following is an entry in ClinVar:

ClinVar aggregate classification (germline): Uncertain significance (1 of 4 stars; one submission).

Conditions:
Developmental and epileptic encephalopathy, 13 (DEE13). Also called: Early infantile epileptic encephalopathy 13; SCN8A-Related Epilepsy; Developmental and Epileptic Encephalopathy (SCN8A-DEE). Identifiers: Orphanet 442835, MedGen C3281191, MONDO:0013801, OMIM 614558.

Submission:

Institute of Human Genetics, University of Leipzig Medical Center
Classification: Uncertain significance for Developmental and epileptic encephalopathy, 13. Last evaluated: 2022-12-08. Review status: criteria provided, single submitter. Criteria: ACMG Guidelines, 2015. Collection method: clinical testing. Allele origin: unknown. Affected: yes.
Comment: regarding PM5, see p.Met1529Val in Johannesen et al., 2019, PMID: 30968951_x000D_ Criteria applied: PM5, PM2_SUP, PP2, PP3

NM_001330260.2(SCN8A):c.4587G>T (p.Met1529Ile)

Gene: SCN8A (sodium voltage-gated channel alpha subunit 8; plus strand). Cytogenetic location: 12q13.13.
Variant type: single nucleotide variant.
Coding change: c.4587G>T on transcript NM_001330260.2 (MANE Select); coding-DNA position 4587, G replaced by T.
Protein change: p.Met1529Ile; replaces methionine 1529 with isoleucine.
Molecular consequence: missense variant.
Genome position (GRCh38, 1-based): chr12:51,794,433, G>T. VCF-style: chr12-51794433-G-T. GRCh37 (hg19) VCF-style: chr12-52188217-G-T.
Other names: c.4464G>T, p.Met1488Ile (NM_001177984.3, NM_001369788.1); c.4587G>T, p.Met1529Ile (NM_014191.4); short protein forms M1488I, M1529I.
Identifiers: ClinVar variation 1804159 (VCV001804159.1), dbSNP rs1372453254, ClinGen allele CA384878723.